The following is an entry in ClinVar:

NM_004544.4(NDUFA10):c.482G>A (p.Arg161His)

Gene: NDUFA10 (NADH:ubiquinone oxidoreductase subunit A10; minus strand). Cytogenetic location: 2q37.3.
Variant type: single nucleotide variant.
Coding change: c.482G>A on transcript NM_004544.4 (MANE Select); coding-DNA position 482, G replaced by A.
Protein change: p.Arg161His; replaces arginine 161 with histidine.
Molecular consequence: missense variant. On other transcripts: non-coding transcript variant (4).
Genome position (GRCh38, 1-based): chr2:240,018,618, C>T on the plus strand (G>A on the coding strand, the complement: NDUFA10 is on the minus strand). VCF-style: chr2-240018618-C-T. GRCh37 (hg19) VCF-style: chr2-240958035-C-T.
Other names: c.482G>A, p.Arg161His (NM_001322019.2, NM_001322020.2, NM_001410987.1); short protein forms R161H.
Identifiers: ClinVar variation 2056673 (VCV002056673.4), dbSNP rs201308887, ClinGen allele CA2201030.

ClinVar aggregate classification (germline): Uncertain significance (1 of 4 stars; one submission).

Allele frequency attached by ClinVar (database versions not stated): ExAC 0.00001; gnomAD 0.00003; TOPMed 0.00006.
gnomAD v4.1: 122 of 1,613,994 alleles (0.0076%); highest among the groups gnomAD compares: Non-Finnish European, 0.0094%; no homozygotes.

Submission:

Labcorp Genetics (formerly Invitae), Labcorp
Classification: Uncertain significance. Last evaluated: 2022-05-06. Review status: criteria provided, single submitter. Criteria: Invitae Variant Classification Sherloc (09022015). Collection method: clinical testing. Allele origin: germline.
Comment: In summary, the available evidence is currently insufficient to determine the role of this variant in disease. Therefore, it has been classified as a Variant of Uncertain Significance. Algorithms developed to predict the effect of missense changes on protein structure and function (SIFT, PolyPhen-2, Align-GVGD) all suggest that this variant is likely to be disruptive. This variant has not been reported in the literature in individuals affected with NDUFA10-related conditions. This variant is present in population databases (rs201308887, gnomAD 0.01%). This sequence change replaces arginine, which is basic and polar, with histidine, which is basic and polar, at codon 161 of the NDUFA10 protein (p.Arg161His).